The following is an entry in ClinVar:

NM_016122.3(CEP83):c.422T>C (p.Val141Ala)

Gene: CEP83 (centrosomal protein 83; minus strand). Cytogenetic location: 12q22.
Variant type: single nucleotide variant.
Coding change: c.422T>C on transcript NM_016122.3 (MANE Select); coding-DNA position 422, T replaced by C.
Protein change: p.Val141Ala; replaces valine 141 with alanine.
Molecular consequence: missense variant. On other transcripts: non-coding transcript variant (3), intron variant (2).
Genome position (GRCh38, 1-based): chr12:94,400,977, A>G on the plus strand (T>C on the coding strand, the complement: CEP83 is on the minus strand). VCF-style: chr12-94400977-A-G. GRCh37 (hg19) VCF-style: chr12-94794753-A-G.
Other names: c.422T>C, p.Val141Ala (NM_001042399.2, NM_001346457.2, NM_001346460.2 and 3 more transcripts); c.110T>C, p.Val37Ala (NM_001346458.2, NM_001346459.2, NM_001346462.2 and 2 more transcripts); c.324+10720T>C (NM_001368041.1); c.12+10720T>C (NM_001368042.1); c.422T>C (NM_016122.2); short protein forms V37A, V141A.
Identifiers: ClinVar variation 1472265 (VCV001472265.7), dbSNP rs765494844, ClinGen allele CA6721940.
Genomic context (GRCh38, chr12:94,400,977, plus strand): 5'-TCTGACTTGAGAAATGTATGTTCATAGCGAAGCTTATTATATACAGCTCTATACTTTTCT[A>G]CCTCCTAAAGGGAGAATGCATTTATCATAGATTTATAAACAAAATTCGTACTCACTCCAA-3'
Protein context (NP_057206.2, residues 131-151): RERFRNLDEE[Val141Ala]EKYRAVYNKL

ClinVar aggregate classification (germline): Uncertain significance. Review status: criteria provided, multiple submitters, no conflicts (2 of 4 stars). 2 submissions from 2 submitters: Uncertain significance (2). Last evaluated 2024-08-27.

Conditions:
Inborn genetic diseases. Identifiers: MedGen C0950123, MeSH D030342.
Nephronophthisis 18 (NPHP18). Identifiers: Orphanet 655, MedGen C3890591, MONDO:0014374, OMIM 615862.

Allele frequency attached by ClinVar (database versions not stated): gnomAD exomes below 0.00001 and 0.00001; TOPMed below 0.00001; ExAC 0.00001; gnomAD 0.00001.
gnomAD v4.1: 4 of 1,392,178 alleles (0.00029%); highest among the groups gnomAD compares: Non-Finnish European, 0.00038%; no homozygotes.

Submissions (2):

Ambry Genetics
Classification: Uncertain significance for Inborn genetic diseases. Last evaluated: 2024-08-27. Review status: criteria provided, single submitter. Criteria: Ambry Variant Classification Scheme 2023. Collection method: clinical testing. Allele origin: germline.

Labcorp Genetics (formerly Invitae), Labcorp
Classification: Uncertain significance for Nephronophthisis 18. Last evaluated: 2022-01-03. Review status: criteria provided, single submitter. Criteria: Invitae Variant Classification Sherloc (09022015). Collection method: clinical testing. Allele origin: germline.
Comment: In summary, the available evidence is currently insufficient to determine the role of this variant in disease. Therefore, it has been classified as a Variant of Uncertain Significance. Algorithms developed to predict the effect of missense changes on protein structure and function output the following: SIFT: "Not Available"; PolyPhen-2: "Benign"; Align-GVGD: "Not Available". The alanine amino acid residue is found in multiple mammalian species, which suggests that this missense change does not adversely affect protein function. This variant has not been reported in the literature in individuals affected with CEP83-related conditions. The frequency data for this variant in the population databases is considered unreliable, as metrics indicate poor data quality at this position in the gnomAD database. This sequence change replaces valine, which is neutral and non-polar, with alanine, which is neutral and non-polar, at codon 141 of the CEP83 protein (p.Val141Ala).